The following is an entry in ClinVar:

ClinVar aggregate classification (germline): Uncertain significance (1 of 4 stars; one submission).

gnomAD v4.1: 1 of 1,613,150 alleles (0.000062%); highest among the groups gnomAD compares: South Asian, 0.0011%; no homozygotes.

Submission:

GeneDx
Classification: Uncertain significance. Last evaluated: 2024-10-25. Review status: criteria provided, single submitter. Criteria: GeneDx Variant Classification Process June 2021. Collection method: clinical testing. Allele origin: germline. Affected: yes.
Comment: Not observed at significant frequency in large population cohorts (gnomAD); In silico analysis supports that this missense variant has a deleterious effect on protein structure/function; Has not been previously published as pathogenic or benign to our knowledge

NM_000384.3(APOB):c.6311T>C (p.Ile2104Thr)

Gene: APOB (apolipoprotein B; minus strand). Cytogenetic location: 2p24.1.
Variant type: single nucleotide variant.
Coding change: c.6311T>C on transcript NM_000384.3 (MANE Select); coding-DNA position 6311, T replaced by C.
Protein change: p.Ile2104Thr; replaces isoleucine 2104 with threonine.
Molecular consequence: missense variant.
Genome position (GRCh38, 1-based): chr2:21,010,557, A>G on the plus strand (T>C on the coding strand, the complement: APOB is on the minus strand). VCF-style: chr2-21010557-A-G. GRCh37 (hg19) VCF-style: chr2-21233429-A-G.
Other names: short protein forms I2104T.
Identifiers: ClinVar variation 3893519 (VCV003893519.1).